The following is an entry in ClinVar:

NM_001457.4(FLNB):c.1936G>C (p.Asp646His)

Gene: FLNB (filamin B; plus strand). Cytogenetic location: 3p14.3.
Variant type: single nucleotide variant.
Coding change: c.1936G>C on transcript NM_001457.4 (MANE Select); coding-DNA position 1936, G replaced by C.
Protein change: p.Asp646His; replaces aspartic acid 646 with histidine.
Molecular consequence: missense variant.
Genome position (GRCh38, 1-based): chr3:58,106,868, G>C. VCF-style: chr3-58106868-G-C. GRCh37 (hg19) VCF-style: chr3-58092595-G-C.
Other names: c.1936G>C, p.Asp646His (NM_001164317.2, NM_001164318.2, NM_001164319.2); short protein forms D646H.
Identifiers: ClinVar variation 1517793 (VCV001517793.10), dbSNP rs2107107523, ClinGen allele CA353340859.

ClinVar aggregate classification (germline): Uncertain significance. Review status: criteria provided, multiple submitters, no conflicts (2 of 4 stars). 2 submissions from 2 submitters: Uncertain significance (2). Last evaluated 2025-07-30.

Allele frequency attached by ClinVar (database versions not stated): gnomAD exomes below 0.00001.
gnomAD v4.1: 1 of 1,613,358 alleles (0.000062%); highest among the groups gnomAD compares: Admixed American, 0.0017%; no homozygotes.

Submissions (2):

Dasa
Classification: Uncertain significance. Last evaluated: 2025-07-30. Review status: criteria provided, single submitter. Criteria: DASA Assertion Criteria. Collection method: clinical testing. Allele origin: germline.
Comment: NM_001457.4(FLNB):c.1936G>C (p.Asp646His) is a missense variant that results in the substitution of aspartic acid with histidine. This variant is rare in population databases. The currently available literature and clinical evidence are not sufficient to establish a definitive association between this variant and the reported condition. Therefore, this variant is classified as a variant of uncertain significance.

Labcorp Genetics (formerly Invitae), Labcorp
Classification: Uncertain significance. Last evaluated: 2021-08-31. Review status: criteria provided, single submitter. Criteria: Invitae Variant Classification Sherloc (09022015). Collection method: clinical testing. Allele origin: germline.
Comment: In summary, the available evidence is currently insufficient to determine the role of this variant in disease. Therefore, it has been classified as a Variant of Uncertain Significance. This sequence change replaces aspartic acid with histidine at codon 646 of the FLNB protein (p.Asp646His). The aspartic acid residue is highly conserved and there is a moderate physicochemical difference between aspartic acid and histidine. This variant is not present in population databases (ExAC no frequency). This variant has not been reported in the literature in individuals affected with FLNB-related conditions. Advanced modeling of protein sequence and biophysical properties (such as structural, functional, and spatial information, amino acid conservation, physicochemical variation, residue mobility, and thermodynamic stability) performed at Invitae indicates that this missense variant is not expected to disrupt FLNB protein function.